The following continues an entry in ClinVar:

NM_018006.5(TRMU):c.835G>A (p.Val279Met)

Gene: TRMU. ClinVar aggregate classification (germline): Pathogenic. Pathogenic (16).

Submissions 14 to 18 of 18:

Women's Health and Genetics/Laboratory Corporation of America, LabCorp
Classification: Pathogenic for Acute infantile liver failure due to synthesis defect of mtDNA-encoded proteins. Last evaluated: 2022-01-26. Review status: criteria provided, single submitter. Criteria: LabCorp Variant Classification Summary - May 2015. Collection method: clinical testing. Allele origin: germline.
Comment: Variant summary: TRMU c.835G>A (p.Val279Met) results in a conservative amino acid change in the encoded protein sequence. Four of five in-silico tools predict a damaging effect of the variant on protein function. The variant allele was found at a frequency of 0.00017 in 251408 control chromosomes (gnomAD). This frequency is not significantly higher than expected for a pathogenic variant in TRMU causing Transient, Acute Infantile Liver Failure (0.00017 vs 0.0011), allowing no conclusion about variant significance. c.835G>A has been reported in the literature in multiple compound heterozygous individuals affected with Transient, Acute Infantile Liver Failure (example: Zeharia_2009, Uusimaa_2011, Gaignard_2013, Grover_2015, Nicastro_2019). These data indicate that the variant is very likely to be associated with disease. To our knowledge, no experimental evidence demonstrating an impact on protein function has been reported. Five ClinVar submitters have assessed the variant since 2014: four classified the variant as likely pathogenic and one as pathogenic. Based on the evidence outlined above, the variant was classified as pathogenic.

Ambry Genetics
Classification: Pathogenic for Inborn genetic diseases. Last evaluated: 2015-09-22. Review status: criteria provided, single submitter. Criteria: Ambry exome assertion method (8-5-2015). Collection method: clinical testing. Allele origin: germline. Affected: yes. Observed: 1 variant allele.

CENTOGENE GmbH and LLC - Guiding Precision Medicine
Classification: Pathogenic for Transient infantile liver failure. Review status: criteria provided, single submitter. Criteria: ACMG Guidelines, 2015. Collection method: clinical testing. Allele origin: germline. Affected: yes.

Counsyl
Classification: Likely pathogenic for Acute infantile liver failure due to synthesis defect of mtDNA-encoded proteins. Last evaluated: 2017-08-07. Review status: no assertion criteria provided. Collection method: clinical testing. Allele origin: unknown. Not counted in ClinVar's aggregate classification.

OMIM
Classification: Pathogenic for LIVER FAILURE, INFANTILE, TRANSIENT. Last evaluated: 2011-10-01. Review status: no assertion criteria provided. Collection method: literature only. Allele origin: germline. Not counted in ClinVar's aggregate classification.

Literature cited by the submitters: PubMed 19732863 (cited by 7 submitters); PubMed 21931168 (cited by 7 submitters); PubMed 23625533 (cited by 6 submitters); PubMed 25665837 (cited by 4 submitters); PubMed 33083013 (cited by Natera, Inc.); PubMed 33084218 (cited by Natera, Inc.); PubMed 38113276 (cited by Natera, Inc.); PubMed 31160058 (cited by Women's Health and Genetics/Laboratory Corporation of America, LabCorp).